The following is an entry in ClinVar:

ClinVar aggregate classification (germline): Benign (0 of 4 stars; one submission).

Conditions:
SELENBP1-related disorder. Also called: SELENBP1-related condition.

Allele frequency attached by ClinVar (database versions not stated): gnomAD exomes 0.00063; ExAC 0.00302; 1000 Genomes Project 0.00559; 1000 Genomes Project 30x 0.00625; ESP Exome Variant Server 0.00692; gnomAD 0.00702; TOPMed 0.00800.
gnomAD v4.1: 2,045 of 1,604,914 alleles (0.13%); highest among the groups gnomAD compares: African/African-American, 2.4%; 16 homozygotes.

Submission:

PreventionGenetics, part of Exact Sciences
Classification: Benign for SELENBP1-related condition. Last evaluated: 2019-09-26. Review status: no assertion criteria provided. Collection method: clinical testing. Allele origin: germline.
Comment: This variant is classified as benign based on ACMG/AMP sequence variant interpretation guidelines (Richards et al. 2015 PMID: 25741868, with internal and published modifications).

NM_003944.4(SELENBP1):c.66C>T (p.Pro22=)

Gene: SELENBP1 (selenium binding protein 1; minus strand). Cytogenetic location: 1q21.3.
Variant type: single nucleotide variant.
Coding change: c.66C>T on transcript NM_003944.4 (MANE Select); coding-DNA position 66, C replaced by T.
Protein change: p.Pro22=; no amino-acid change (proline 22 retained).
Molecular consequence: synonymous variant.
Genome position (GRCh38, 1-based): chr1:151,369,550, G>A on the plus strand (C>T on the coding strand, the complement: SELENBP1 is on the minus strand). VCF-style: chr1-151369550-G-A. GRCh37 (hg19) VCF-style: chr1-151342026-G-A.
Other names: c.66C>T, p.Pro22= (NM_001258288.2); c.192C>T, p.Pro64= (NM_001258289.2).
Identifiers: ClinVar variation 3052836 (VCV003052836.2), dbSNP rs139115502, ClinGen allele CA1090472.